The following is an entry in ClinVar:

ClinVar aggregate classification (germline): Likely benign. Review status: criteria provided, multiple submitters, no conflicts (2 of 4 stars). 5 submissions from 5 submitters: Likely benign (2). 3 of the submissions do not count toward it. Last evaluated 2026-08-01.

Conditions:
IRF2BPL-related disorder. Also called: IRF2BPL-related condition. Identifiers: MedGen CN381093.

Submissions (5):

CeGaT Center for Human Genetics Tuebingen
Classification: Likely benign. Last evaluated: 2026-08-01. Review status: criteria provided, single submitter. Criteria: CeGaT Center For Human Genetics Tuebingen Variant Classification Criteria Version 2. Collection method: clinical testing. Allele origin: germline. Affected: yes. Observed: 14 variant alleles.
Comment: IRF2BPL: BS1

Blueprint Genetics
Classification: Likely benign. Last evaluated: 2024-11-26. Review status: criteria provided, single submitter. Criteria: ACMG Guidelines, 2015. Collection method: clinical testing. Allele origin: germline.

PreventionGenetics, part of Exact Sciences
Classification: Benign for IRF2BPL-related condition. Last evaluated: 2019-10-31. Review status: no assertion criteria provided. Collection method: clinical testing. Allele origin: germline. Not counted in ClinVar's aggregate classification.
Comment: This variant is classified as benign based on ACMG/AMP sequence variant interpretation guidelines (Richards et al. 2015 PMID: 25741868, with internal and published modifications).

Clinical Genetics DNA and cytogenetics Diagnostics Lab, Erasmus MC, Erasmus Medical Center
Classification: Likely benign. Review status: no assertion criteria provided. Collection method: clinical testing. Allele origin: germline. Affected: yes. Study: VKGL Data-share Consensus. Not counted in ClinVar's aggregate classification.

Diagnostic Laboratory, Department of Genetics, University Medical Center Groningen
Classification: Likely benign. Review status: no assertion criteria provided. Collection method: clinical testing. Allele origin: germline. Affected: yes. Study: VKGL Data-share Consensus. Not counted in ClinVar's aggregate classification.

NM_024496.4(IRF2BPL):c.462CGC[11] (p.Ala163_Ala164dup)

Gene: IRF2BPL (interferon regulatory factor 2 binding protein like; minus strand). Cytogenetic location: 14q24.3.
Variant type: Microsatellite.
Coding change: c.462CGC[11] on transcript NM_024496.4 (MANE Select); 11 copies in a row of the 3-base unit CGC starting at c.462; the reference has nine copies in a row; two copies, 6 bases duplicated.
Protein change: p.Ala163_Ala164dup.
Molecular consequence: inframe insertion.
Genome position (GRCh38, 1-based): chr14:77,027,305-77,027,310, GCGGCG duplicated on the plus strand (CGCCGC on the coding strand, the reverse complement: IRF2BPL is on the minus strand); duplicating any 6 consecutive bases within chr14:77,027,305-77,027,333 gives the same sequence; the position shown is the placement nearest the transcript's 3' end. VCF-style (leftmost placement, unchanged base first): chr14-77027304-A-AGCGGCG. GRCh37 (hg19) VCF-style: chr14-77493647-A-AGCGGCG.
Other names: c.483_488dup6 (NM_024496.3).
Identifiers: ClinVar variation 1328204 (VCV001328204.28), dbSNP rs371633333, ClinGen allele CA7283940.